The following is an entry in ClinVar:

NM_003107.3(SOX4):c.666CGG[4] (p.Gly227del)

Gene: SOX4 (SRY-box transcription factor 4; plus strand). Cytogenetic location: 6p22.3.
Variant type: Microsatellite.
Coding change: c.666CGG[4] on transcript NM_003107.3 (MANE Select); four copies in a row of the 3-base unit CGG starting at c.666; the reference has five copies in a row; one copy, 3 bases deleted.
Protein change: p.Gly227del; deletes glycine 227.
Molecular consequence: inframe deletion.
Genome position (GRCh38, 1-based): chr6:21,595,212-21,595,214, CGG deleted; deleting any 3 consecutive bases within chr6:21,595,198-21,595,214 gives the same sequence; the position shown is the placement nearest the transcript's 3' end. VCF-style (leftmost placement, unchanged base first): chr6-21595197-AGGC-A. GRCh37 (hg19) VCF-style: chr6-21595428-AGGC-A.
Other names: short protein forms G227del.
Identifiers: ClinVar variation 2656273 (VCV002656273.24), dbSNP rs552547778, ClinGen allele CA135863628.

ClinVar aggregate classification (germline): Benign (1 of 4 stars; one submission).

Submission:

CeGaT Center for Human Genetics Tuebingen
Classification: Benign. Last evaluated: 2023-10-01. Review status: criteria provided, single submitter. Criteria: CeGaT Center For Human Genetics Tuebingen Variant Classification Criteria Version 2. Collection method: clinical testing. Allele origin: germline. Affected: yes. Observed: 1 variant allele.
Comment: SOX4: PM4:Supporting, BS1, BS2